The following is an entry in ClinVar:

ClinVar aggregate classification (germline): Uncertain significance (1 of 4 stars; one submission).

Conditions:
Gastrointestinal stromal tumor. Also called: Gastrointestinal stromal tumor, somatic; Gastrointestinal stroma tumor. Identifiers: Orphanet 44890, MedGen C0238198, MeSH D046152, MONDO:0011719, OMIM 606764, HP:0100723.

Submission:

Labcorp Genetics (formerly Invitae), Labcorp
Classification: Uncertain significance for Gastrointestinal stromal tumor. Last evaluated: 2023-12-03. Review status: criteria provided, single submitter. Criteria: Invitae Variant Classification Sherloc (09022015). Collection method: clinical testing. Allele origin: germline.
Comment: This sequence change replaces isoleucine, which is neutral and non-polar, with valine, which is neutral and non-polar, at codon 54 of the KIT protein (p.Ile54Val). This variant is not present in population databases (gnomAD no frequency). This variant has not been reported in the literature in individuals affected with KIT-related conditions. ClinVar contains an entry for this variant (Variation ID: 566279). Algorithms developed to predict the effect of missense changes on protein structure and function output the following: SIFT: "Not Available"; PolyPhen-2: "Benign"; Align-GVGD: "Not Available". The valine amino acid residue is found in multiple mammalian species, which suggests that this missense change does not adversely affect protein function. In summary, the available evidence is currently insufficient to determine the role of this variant in disease. Therefore, it has been classified as a Variant of Uncertain Significance.

NM_000222.3(KIT):c.160A>G (p.Ile54Val)

Gene: KIT (KIT proto-oncogene, receptor tyrosine kinase; plus strand). Cytogenetic location: 4q12.
Variant type: single nucleotide variant.
Coding change: c.160A>G on transcript NM_000222.3 (MANE Select); coding-DNA position 160, A replaced by G.
Protein change: p.Ile54Val; replaces isoleucine 54 with valine.
Molecular consequence: missense variant.
Genome position (GRCh38, 1-based): chr4:54,695,604, A>G. VCF-style: chr4-54695604-A-G. GRCh37 (hg19) VCF-style: chr4-55561770-A-G.
Other names: c.160A>G, p.Ile54Val (NM_001093772.2, NM_001385284.1, NM_001385285.1 and 4 more transcripts); short protein forms I54V.
Identifiers: ClinVar variation 566279 (VCV000566279.9), dbSNP rs1560393393, ClinGen allele CA356896957.